The following is an entry in ClinVar:

NM_000138.5(FBN1):c.6424T>G (p.Cys2142Gly)

Gene: FBN1 (fibrillin 1; minus strand). Cytogenetic location: 15q21.1.
Variant type: single nucleotide variant.
Coding change: c.6424T>G on transcript NM_000138.5 (MANE Select); coding-DNA position 6424, T replaced by G.
Protein change: p.Cys2142Gly; replaces cysteine 2142 with glycine.
Molecular consequence: missense variant.
Genome position (GRCh38, 1-based): chr15:48,437,033, A>C on the plus strand (T>G on the coding strand, the complement: FBN1 is on the minus strand). VCF-style: chr15-48437033-A-C. GRCh37 (hg19) VCF-style: chr15-48729230-A-C.
Other names: c.6424T>G, p.Cys2142Gly (NM_001406716.1); short protein forms C2142G.
Identifiers: ClinVar variation 2022802 (VCV002022802.4), dbSNP rs1555395203, ClinGen allele CA392336615.

ClinVar aggregate classification (germline): Pathogenic (1 of 4 stars; one submission).

Conditions:
Familial thoracic aortic aneurysm and aortic dissection (TAAD). Also called: Thoracic aortic aneurysms and dissections. Identifiers: Orphanet 91387, MedGen C4707243, MONDO:0019625.
Marfan syndrome (MFS). Also called: MARFAN SYNDROME, TYPE I; Marfan syndrome type 1; Marfan's syndrome; Marfan syndrome, classic; FBN1-Related Marfan Syndrome. Identifiers: Orphanet 284963, Orphanet 558, MedGen C0024796, MONDO:0007947, OMIM 154700.

Submission:

Labcorp Genetics (formerly Invitae), Labcorp
Classification: Pathogenic for Marfan syndrome; Familial thoracic aortic aneurysm and aortic dissection. Last evaluated: 2022-08-08. Review status: criteria provided, single submitter. Criteria: Invitae Variant Classification Sherloc (09022015). Collection method: clinical testing. Allele origin: germline.
Comment: For these reasons, this variant has been classified as Pathogenic. This variant disrupts the p.Cys2142 amino acid residue in FBN1. Other variant(s) that disrupt this residue have been observed in individuals with FBN1-related conditions (PMID: 10425041; Invitae), which suggests that this may be a clinically significant amino acid residue. This variant affects a cysteine residue in the EGF-like, TGFBP or hybrid motif domains of FBN1. Cysteine residues are believed to be involved in intramolecular disulfide bridges and have been shown to be important for FBN1 protein structure (PMID: 16905551, 19349279). In addition, missense substitutions affecting cysteine residues within these domains are significantly overrepresented among patients with Marfan syndrome (PMID: 16571647, 17701892). Advanced modeling of protein sequence and biophysical properties (such as structural, functional, and spatial information, amino acid conservation, physicochemical variation, residue mobility, and thermodynamic stability) performed at Invitae indicates that this missense variant is expected to disrupt FBN1 protein function. This sequence change replaces cysteine, which is neutral and slightly polar, with glycine, which is neutral and non-polar, at codon 2142 of the FBN1 protein (p.Cys2142Gly). This variant is not present in population databases (gnomAD no frequency). This missense change has been observed in individual(s) with Marfan syndrome (Invitae).

Literature cited by the submitters: PubMed 10425041; PubMed 16905551; PubMed 19349279; PubMed 16571647; PubMed 17701892.